The following is an entry in ClinVar:

NM_016030.6(TRAPPC12):c.979C>T (p.Gln327Ter)

Gene: TRAPPC12 (trafficking protein particle complex subunit 12; plus strand). Cytogenetic location: 2p25.3.
Variant type: single nucleotide variant.
Coding change: c.979C>T on transcript NM_016030.6 (MANE Select); coding-DNA position 979, C replaced by T.
Protein change: p.Gln327Ter; replaces glutamine 327 with a stop codon.
Molecular consequence: nonsense.
Genome position (GRCh38, 1-based): chr2:3,388,602, C>T. VCF-style: chr2-3388602-C-T. GRCh37 (hg19) VCF-style: chr2-3392373-C-T.
Other names: c.979C>T, p.Gln327Ter (NM_001321102.2); short protein forms Q327*.
Identifiers: ClinVar variation 3069113 (VCV003069113.2), dbSNP rs756361030, ClinGen allele CA1515243.
Genomic context (GRCh38, chr2:3,388,602, plus strand): 5'-AACGACGCCTGGCTTCCCGGCGAGGCTACGCGTGGAGTCCTGCGGGCCGTGGCCACCCAG[C>T]AGCGCGGCGCCGTGTTCGTGGACAAGGAGAACCTCACCATGCCGGGCCTCAGGTTCGACA-3'

ClinVar aggregate classification (germline): Pathogenic (1 of 4 stars; one submission).

Conditions:
Early-onset progressive encephalopathy-hearing loss-pons hypoplasia-brain atrophy syndrome. Also called: ENCEPHALOPATHY, PROGRESSIVE, EARLY-ONSET, WITH BRAIN ATROPHY AND SPASTICITY. Identifiers: Orphanet 500144, MedGen C5567229, MONDO:0044696, OMIM 617669.

Allele frequency attached by ClinVar (database versions not stated): ExAC 0.00001.
gnomAD v4.1: 13 of 1,606,284 alleles (0.00081%); highest among the groups gnomAD compares: Non-Finnish European, 0.000085%; no homozygotes.

Submission:

Women's Health and Genetics/Laboratory Corporation of America, LabCorp
Classification: Pathogenic for Early-onset progressive encephalopathy-hearing loss-pons hypoplasia-brain atrophy syndrome. Last evaluated: 2025-08-28. Review status: criteria provided, single submitter. Criteria: LabCorp Variant Classification Summary - May 2015. Collection method: clinical testing. Allele origin: germline.
Comment: Variant summary: TRAPPC12 c.979C>T (p.Gln327X) results in a premature termination codon, predicted to cause a truncation of the encoded protein or absence of the protein due to nonsense mediated decay, which are commonly known mechanisms for disease. The variant allele was found at a frequency of 2.1e-05 in 234554 control chromosomes. To our knowledge, no occurrence of c.979C>T in individuals affected with TRAPPC12-related conditions and no experimental evidence demonstrating its impact on protein function have been reported. ClinVar contains an entry for this variant (Variation ID: 3069113). Based on the evidence outlined above, the variant was classified as pathogenic.